The following is an entry in ClinVar:

ClinVar aggregate classification (germline): Benign/Likely benign. Review status: criteria provided, multiple submitters, no conflicts (2 of 4 stars). 5 submissions from 5 submitters: Benign (2); Likely benign (2). 1 of the submissions does not count toward it. Last evaluated 2024-09-13.

Conditions:
Phelan-McDermid syndrome. Also called: TELOMERIC 22q13 MONOSOMY SYNDROME; 22q13.3 deletion syndrome; Phelan-McDermid Syndrome-SHANK3 Related. Identifiers: Orphanet 48652, MedGen C1853490, MONDO:0011652, OMIM 606232.

Submissions (5):

Athena Diagnostics
Classification: Benign. Last evaluated: 2024-09-13. Review status: criteria provided, single submitter. Criteria: Athena Diagnostics Criteria. Collection method: clinical testing. Allele origin: unknown.

CeGaT Center for Human Genetics Tuebingen
Classification: Likely benign. Last evaluated: 2023-04-01. Review status: criteria provided, single submitter. Criteria: CeGaT Center For Human Genetics Tuebingen Variant Classification Criteria Version 2. Collection method: clinical testing. Allele origin: germline. Affected: yes. Observed: 7 variant alleles.
Comment: SHANK3: BS1

GeneDx
Classification: Benign. Last evaluated: 2019-01-08. Review status: criteria provided, single submitter. Criteria: GeneDx Variant Classification Process June 2021. Collection method: clinical testing. Allele origin: germline. Affected: yes.

Eurofins Ntd Llc (ga)
Classification: Likely benign. Last evaluated: 2018-08-28. Review status: criteria provided, single submitter. Criteria: EGL ClinVar v180209 classification definitions. Collection method: clinical testing. Allele origin: germline. Observed: 3 variant alleles, 3 heterozygotes.

OMIM
Classification: Uncertain significance for RECLASSIFIED - VARIANT OF UNKNOWN SIGNIFICANCE. Last evaluated: 2013-03-01. Review status: no assertion criteria provided. Collection method: literature only. Allele origin: germline. Not counted in ClinVar's aggregate classification.

Literature cited by the submitters: PubMed 21062623 (cited by 3 submitters); PubMed 22892527 (cited by Athena Diagnostics and OMIM).

NM_001372044.2(SHANK3):c.1530-280dup

Gene: SHANK3 (SH3 and multiple ankyrin repeat domains 3; plus strand). Cytogenetic location: 22q13.33.
Variant type: Duplication.
Coding change: c.1530-280dup on transcript NM_001372044.2 (MANE Select); 280 bases into the intron before coding-DNA position 1530, one base duplicated (G; older notation c.1530-280dupG).
Molecular consequence: intron variant.
Genome position (GRCh38, 1-based): chr22:50,697,277, G duplicated; the last of 8 consecutive G bases (chr22:50,697,270-50,697,277); duplicating any one gives the same sequence. VCF-style (leftmost placement, unchanged base first): chr22-50697269-T-TG. GRCh37 (hg19) VCF-style: chr22-51135697-T-TG.
Other names: NG_008607.2:g.27636dup; c.1305-532dup (NM_033517.1).
Identifiers: ClinVar variation 50948 (VCV000050948.38), dbSNP rs745950788, ClinGen allele CA10325513.